The following is an entry in ClinVar:

ClinVar aggregate classification (germline): Uncertain significance (1 of 4 stars; one submission).

Conditions:
Atrioventricular septal defect 5 (AVSD5). Identifiers: MedGen C3280939, MONDO:0013769, OMIM 614474.

Submission:

Labcorp Genetics (formerly Invitae), Labcorp
Classification: Uncertain significance for Atrioventricular septal defect 5. Last evaluated: 2025-12-23. Review status: criteria provided, single submitter. Criteria: Invitae Variant Classification Sherloc (09022015). Collection method: clinical testing. Allele origin: germline.
Comment: This sequence change replaces alanine, which is neutral and non-polar, with valine, which is neutral and non-polar, at codon 70 of the GATA6 protein (p.Ala70Val). This variant is not present in population databases (gnomAD no frequency). This variant has not been reported in the literature in individuals affected with GATA6-related conditions. An algorithm developed to predict the effect of missense changes on protein structure and function outputs the following: PolyPhen-2: "Benign". The valine amino acid residue is found in multiple mammalian species, which suggests that this missense change does not adversely affect protein function. In summary, the available evidence is currently insufficient to determine the role of this variant in disease. Therefore, it has been classified as a Variant of Uncertain Significance.

NM_005257.6(GATA6):c.209C>T (p.Ala70Val)

Gene: GATA6 (GATA binding protein 6; plus strand). Cytogenetic location: 18q11.2.
Variant type: single nucleotide variant.
Coding change: c.209C>T on transcript NM_005257.6 (MANE Select); coding-DNA position 209, C replaced by T.
Protein change: p.Ala70Val; replaces alanine 70 with valine.
Molecular consequence: missense variant.
Genome position (GRCh38, 1-based): chr18:22,171,353, C>T. VCF-style: chr18-22171353-C-T. GRCh37 (hg19) VCF-style: chr18-19751314-C-T.
Other names: short protein forms A70V.
Identifiers: ClinVar variation 4716648 (VCV004716648.1).